The following is an entry in ClinVar:

ClinVar aggregate classification (germline): Likely benign. Review status: criteria provided, multiple submitters, no conflicts (2 of 4 stars). 2 submissions from 2 submitters: Likely benign (2). Last evaluated 2024-01-23.

Conditions:
Hereditary cancer. Identifiers: MedGen C1333600.

Allele frequency attached by ClinVar (database versions not stated): ExAC 0.00865; 1000 Genomes Project 0.00060; TOPMed 0.00026.
gnomAD v4.1: 1,122 of 1,439,174 alleles (0.078%); highest among the groups gnomAD compares: South Asian, 0.94%; 19 homozygotes.

Submissions (2):

Mendelics
Classification: Likely benign for Hereditary cancer. Last evaluated: 2024-01-23. Review status: criteria provided, single submitter. Criteria: ACMG Guidelines, 2015. Collection method: clinical testing. Allele origin: unknown.

GeneDx
Classification: Likely benign. Last evaluated: 2022-04-21. Review status: criteria provided, single submitter. Criteria: GeneDx Variant Classification Process June 2021. Collection method: clinical testing. Allele origin: germline. Affected: yes.
Comment: In silico analysis supports that this missense variant does not alter protein structure/function; This variant is associated with the following publications: (PMID: 21937992, 34426522)

NM_004316.4(ASCL1):c.121G>T (p.Ala41Ser)

Genes: ASCL1 (achaete-scute family bHLH transcription factor 1; plus strand), PAH (phenylalanine hydroxylase; minus strand). Cytogenetic location: 12q23.2.
Variant type: single nucleotide variant.
Coding change: c.121G>T on transcript NM_004316.4 (MANE Select); coding-DNA position 121, G replaced by T.
Protein change: p.Ala41Ser; replaces alanine 41 with serine.
Molecular consequence: missense variant. On other transcripts: 5 prime UTR variant (1).
Genome position (GRCh38, 1-based): chr12:102,958,365, G>T. VCF-style: chr12-102958365-G-T. GRCh37 (hg19) VCF-style: chr12-103352143-G-T.
Other names: c.-266C>A (NM_001354304.2); short protein forms A41S.
Identifiers: ClinVar variation 802888 (VCV000802888.5), dbSNP rs545982257, ClinGen allele CA6749113.